The following is an entry in ClinVar:

ClinVar aggregate classification (germline): Pathogenic. Review status: criteria provided, multiple submitters, no conflicts (2 of 4 stars). 2 submissions from 2 submitters: Pathogenic (2). Last evaluated 2025-11-25.

Conditions:
Short-rib thoracic dysplasia 10 with or without polydactyly (SRTD10). Identifiers: Orphanet 474, MedGen C3810175, MONDO:0014284, OMIM 615630.
Retinitis pigmentosa 71 (RP71). Identifiers: Orphanet 791, MedGen C4225342, MONDO:0014618, OMIM 616394.

Submissions (2):

Labcorp Genetics (formerly Invitae), Labcorp
Classification: Pathogenic for Retinitis pigmentosa 71; Short-rib thoracic dysplasia 10 with or without polydactyly. Last evaluated: 2025-11-25. Review status: criteria provided, single submitter. Criteria: Invitae Variant Classification Sherloc (09022015). Collection method: clinical testing. Allele origin: germline.
Comment: This sequence change creates a premature translational stop signal (p.Arg448Valfs*8) in the IFT172 gene. It is expected to result in an absent or disrupted protein product. Loss-of-function variants in IFT172 are known to be pathogenic (PMID: 24140113). This variant is present in population databases (no rsID available, gnomAD 0.007%). This variant has not been reported in the literature in individuals affected with IFT172-related conditions. ClinVar contains an entry for this variant (Variation ID: 1179103). For these reasons, this variant has been classified as Pathogenic.

Fulgent Genetics
Classification: Pathogenic for Short-rib thoracic dysplasia 10 with or without polydactyly; Retinitis pigmentosa 71. Last evaluated: 2021-06-30. Review status: criteria provided, single submitter. Criteria: ACMG Guidelines, 2015. Collection method: clinical testing. Allele origin: unknown.
Comment: This variant has been detected in individual(s) who were sent for testing of Renasight - kidney gene panel.

Literature cited by the submitters: PubMed 24140113 (cited by Labcorp Genetics (formerly Invitae), Labcorp).

NM_015662.3(IFT172):c.1342_1343del (p.Arg448fs)

Gene: IFT172 (intraflagellar transport 172; minus strand). Cytogenetic location: 2p23.3.
Variant type: Microsatellite.
Coding change: c.1342_1343del on transcript NM_015662.3 (MANE Select); coding-DNA positions 1342 to 1343, 2 bases deleted (AG; older notation c.1342_1343delAG).
Protein change: p.Arg448fs; shifts the reading frame from arginine 448.
Molecular consequence: frameshift variant.
Genome position (GRCh38, 1-based): chr2:27,476,709-27,476,710, CT deleted on the plus strand (AG on the coding strand, the reverse complement: IFT172 is on the minus strand); deleting any 2 consecutive bases within chr2:27,476,709-27,476,713 gives the same sequence; the c. name uses the placement nearest the transcript's 3' end. VCF-style (leftmost placement, unchanged base first): chr2-27476708-CCT-C. GRCh37 (hg19) VCF-style: chr2-27699575-CCT-C.
Other names: short protein forms R448fs.
Identifiers: ClinVar variation 1179103 (VCV001179103.3), dbSNP rs1558404443, ClinGen allele CA531438885.
Genomic context (GRCh38, chr2:27,476,708, plus strand): 5'-AATAGTCTTAATATCAATAAGATAAGCCAATTTCTTATTATCTTCTGTTCCTCGCTGACA[CCT>C]CTCATTAATACGAACACTGAAACATGAAGGGTGAGGTAAGGCAAAATGGGCTGAGGTAGT-3'